The following is an entry in ClinVar:

ClinVar aggregate classification (germline): Uncertain significance (1 of 4 stars; one submission).

Submission:

Labcorp Genetics (formerly Invitae), Labcorp
Classification: Uncertain significance. Last evaluated: 2025-03-25. Review status: criteria provided, single submitter. Criteria: Invitae Variant Classification Sherloc (09022015). Collection method: clinical testing. Allele origin: germline.
Comment: This sequence change results in a frameshift in the DNAJC17 gene (p.Pro302Argfs*21). While this is not anticipated to result in nonsense mediated decay, it is expected to disrupt the last 3 amino acid(s) of the DNAJC17 protein and extend the protein by 17 additional amino acid residues. This variant is not present in population databases (gnomAD no frequency). This variant has not been reported in the literature in individuals affected with DNAJC17-related conditions. Experimental studies and prediction algorithms are not available or were not evaluated, and the functional significance of this variant is currently unknown. In summary, the available evidence is currently insufficient to determine the role of this variant in disease. Therefore, it has been classified as a Variant of Uncertain Significance.

NM_018163.3(DNAJC17):c.903del (p.Pro302fs)

Gene: DNAJC17 (DnaJ heat shock protein family (Hsp40) member C17; minus strand). Cytogenetic location: 15q15.1.
Variant type: Deletion.
Coding change: c.903del on transcript NM_018163.3 (MANE Select); coding-DNA position 903, one base deleted (G; older notation c.903delG).
Protein change: p.Pro302fs; shifts the reading frame from proline 302.
Molecular consequence: frameshift variant.
Genome position (GRCh38, 1-based): chr15:40,767,952, C deleted on the plus strand (G on the coding strand, the reverse complement: DNAJC17 is on the minus strand); the first of 4 consecutive C bases (chr15:40,767,952-40,767,955); deleting any one gives the same sequence. VCF-style (leftmost placement, unchanged base first): chr15-40767951-GC-G. GRCh37 (hg19) VCF-style: chr15-41060149-GC-G.
Other names: short protein forms P302fs.
Identifiers: ClinVar variation 4715863 (VCV004715863.1).